The following is an entry in ClinVar:

ClinVar aggregate classification (germline): Conflicting classifications of pathogenicity. Review status: criteria provided, conflicting classifications (1 of 4 stars). 2 submissions from 2 submitters: Likely pathogenic (1); Uncertain significance (1). Last evaluated 2019-10-29.

Conditions:
Cyclical neutropenia. Also called: Cyclic hematopoiesis; Cyclic Neutropenia. Identifiers: Orphanet 2686, MedGen C0221023, MONDO:0008090, OMIM 162800, HP:0040289. Disease mechanism: loss of function.
Neutropenia, severe congenital, 1, autosomal dominant. Identifiers: MedGen C1859966, MONDO:0042490, OMIM 202700.
ELANE-related disorders.

Allele frequency attached by ClinVar (database versions not stated): gnomAD exomes 0.00001; TOPMed 0.00002.
gnomAD v4.1: 8 of 1,613,402 alleles (0.0005%); highest among the groups gnomAD compares: Non-Finnish European, 0.00068%; no homozygotes.

Submissions (2):

Labcorp Genetics (formerly Invitae), Labcorp
Classification: Uncertain significance for Neutropenia, severe congenital, 1, autosomal dominant; Cyclical neutropenia. Last evaluated: 2019-10-29. Review status: criteria provided, single submitter. Criteria: Invitae Variant Classification Sherloc (09022015). Collection method: clinical testing. Allele origin: germline.
Comment: In summary, the available evidence is currently insufficient to determine the role of this variant in disease. Therefore, it has been classified as a Variant of Uncertain Significance. This sequence change replaces arginine with proline at codon 220 of the ELANE protein (p.Arg220Pro). The arginine residue is highly conserved and there is a moderate physicochemical difference between arginine and proline. This variant is not present in population databases (ExAC no frequency). This variant has not been reported in the literature in individuals with ELANE-related conditions. Algorithms developed to predict the effect of missense changes on protein structure and function (SIFT, PolyPhen-2, Align-GVGD) all suggest that this variant is likely to be tolerated, but these predictions have not been confirmed by published functional studies and their clinical significance is uncertain. This variant disrupts the p.Arg220 (also referred to as p.Arg191) amino acid residue in ELANE. Other variant(s) that disrupt this residue have been determined to be pathogenic (PMID: 10581030, 16079102, 25703294). This suggests that this residue is clinically significant, and that variants that disrupt this residue are likely to be disease-causing.

Blueprint Genetics
Classification: Likely pathogenic for ELANE-related disorders. Last evaluated: 2017-11-14. Review status: criteria provided, single submitter. Criteria: ACMG Guidelines, 2015. Collection method: clinical testing. Allele origin: germline. Affected: yes. Observed: 2 variant alleles.

Literature cited by the submitters: PubMed 10581030 (cited by Labcorp Genetics (formerly Invitae), Labcorp); PubMed 16079102 (cited by Labcorp Genetics (formerly Invitae), Labcorp); PubMed 25703294 (cited by Labcorp Genetics (formerly Invitae), Labcorp).

NM_001972.4(ELANE):c.659G>C (p.Arg220Pro)

Gene: ELANE (elastase, neutrophil expressed; plus strand). Cytogenetic location: 19p13.3.
Variant type: single nucleotide variant.
Coding change: c.659G>C on transcript NM_001972.4 (MANE Select); coding-DNA position 659, G replaced by C.
Protein change: p.Arg220Pro; replaces arginine 220 with proline.
Molecular consequence: missense variant.
Genome position (GRCh38, 1-based): chr19:856,019, G>C. VCF-style: chr19-856019-G-C. GRCh37 (hg19) VCF-style: chr19-856019-G-C.
Other names: short protein forms R220P.
Identifiers: ClinVar variation 851966 (VCV000851966.13), dbSNP rs137854445, ClinGen allele CA303945312.